The following is an entry in ClinVar:

ClinVar aggregate classification (germline): Uncertain significance (1 of 4 stars; one submission).

Conditions:
Zellweger spectrum disorders (ZS). Also called: Zellweger syndrome; Zellweger Spectrum Disorder; Zellweger Spectrum; Zellweger Spectrum Disorder (ZSD). Identifiers: Orphanet 912, MedGen C0043459, MONDO:0019609.

Allele frequency attached by ClinVar (database versions not stated): TOPMed below 0.00001; ExAC 0.00001; gnomAD 0.00001; gnomAD exomes 0.00001.
gnomAD v4.1: 4 of 1,613,498 alleles (0.00025%); highest among the groups gnomAD compares: Non-Finnish European, 0.00034%; no homozygotes.

Submission:

Labcorp Genetics (formerly Invitae), Labcorp
Classification: Uncertain significance for Zellweger spectrum disorders. Last evaluated: 2022-01-27. Review status: criteria provided, single submitter. Criteria: Invitae Variant Classification Sherloc (09022015). Collection method: clinical testing. Allele origin: germline.
Comment: This sequence change replaces isoleucine, which is neutral and non-polar, with leucine, which is neutral and non-polar, at codon 640 of the PEX1 protein (p.Ile640Leu). This variant is present in population databases (rs759403845, gnomAD 0.0009%). This variant has not been reported in the literature in individuals affected with PEX1-related conditions. Algorithms developed to predict the effect of missense changes on protein structure and function (SIFT, PolyPhen-2, Align-GVGD) all suggest that this variant is likely to be tolerated. In summary, the available evidence is currently insufficient to determine the role of this variant in disease. Therefore, it has been classified as a Variant of Uncertain Significance.

NM_000466.3(PEX1):c.1918A>T (p.Ile640Leu)

Gene: PEX1 (peroxisomal biogenesis factor 1; minus strand). Cytogenetic location: 7q21.2.
Variant type: single nucleotide variant.
Coding change: c.1918A>T on transcript NM_000466.3 (MANE Select); coding-DNA position 1918, A replaced by T.
Protein change: p.Ile640Leu; replaces isoleucine 640 with leucine.
Molecular consequence: missense variant. On other transcripts: intron variant (1).
Genome position (GRCh38, 1-based): chr7:92,504,885, T>A on the plus strand (A>T on the coding strand, the complement: PEX1 is on the minus strand). VCF-style: chr7-92504885-T-A. GRCh37 (hg19) VCF-style: chr7-92134199-T-A.
Other names: c.1294A>T, p.Ile432Leu (NM_001282678.2); c.1900+1363A>T (NM_001282677.2); short protein forms I640L, I432L.
Identifiers: ClinVar variation 2194576 (VCV002194576.1), dbSNP rs759403845, ClinGen allele CA4341254.
Genomic context (GRCh38, chr7:92,504,885, plus strand): 5'-GGACAACAGATGGCTGCATCCACACTGCCTCTGAGAAAGCCACCTCTAGGGTTTTTTGTA[T>A]GTTTTCAAGCCTTTTTCCTTAATACAGAAGATATGAAATGGTTTCAGTATCATTTCAGTG-3'
Protein context (NP_000457.1, residues 630-650): KALRGKRLEN[Ile640Leu]QKTLEVAFSE